The following is an entry in ClinVar:

NM_000051.4(ATM):c.6171A>T (p.Ser2057=)

Genes: ATM (ATM serine/threonine kinase; plus strand), C11orf65 (chromosome 11 open reading frame 65; minus strand). Cytogenetic location: 11q22.3.
Variant type: single nucleotide variant.
Coding change: c.6171A>T on transcript NM_000051.4 (MANE Select); coding-DNA position 6171, A replaced by T.
Protein change: p.Ser2057=; no amino-acid change (serine 2057 retained).
Molecular consequence: synonymous variant. On other transcripts: intron variant (2).
Genome position (GRCh38, 1-based): chr11:108,316,086, A>T. VCF-style: chr11-108316086-A-T. GRCh37 (hg19) VCF-style: chr11-108186813-A-T.
Other names: c.6171A>T, p.Ser2057= (NM_001351834.2); c.641-7015T>A (NM_001330368.2); c.*39-7015T>A (NM_001351110.2).
Identifiers: ClinVar variation 3254221 (VCV003254221.1), dbSNP rs2136131125.

ClinVar aggregate classification (germline): Benign (1 of 4 stars; one submission).

Conditions:
Familial cancer of breast. Also called: hereditary breast carcinoma; BREAST CANCER, FAMILIAL; Hereditary breast cancer. Identifiers: Orphanet 227535, MedGen C0346153, MONDO:0016419, OMIM 114480. Disease mechanism: loss of function.

Submission:

Myriad Genetics, Inc.
Classification: Benign for Familial cancer of breast. Last evaluated: 2024-06-03. Review status: criteria provided, single submitter. Criteria: Myriad Autosomal Dominant, Autosomal Recessive and X-Linked Classification Criteria (2023). Collection method: clinical testing. Allele origin: unknown.
Comment: This variant is considered benign. This variant is a silent/synonymous amino acid change and it is not expected to impact splicing.